The following is an entry in ClinVar:

ClinVar aggregate classification (germline): Likely pathogenic (1 of 4 stars; one submission).

Conditions:
Immunodeficiency 47 (IMD47). Also called: IMMUNODEFICIENCY AND HEPATOPATHY WITH OR WITHOUT NEUROLOGIC FEATURES. Identifiers: Orphanet 692790, MedGen C4310819, MONDO:0010504, OMIM 300972.

Submission:

Division Of Personalized Genomic Medicine, Columbia University Irving Medical Center
Classification: Likely pathogenic for Immunodeficiency 47. Last evaluated: 2022-04-02. Review status: criteria provided, single submitter. Criteria: ACMG Guidelines, 2015. Collection method: clinical testing. Allele origin: de novo. Affected: yes.
Comment: Trio-based exome analysis identified a de novo hemizygous in frame deletion (ChrX: 153657460delCTA, GRCh37/hg19) in the ATP6AP1 gene present in twins. The variant (NM_001183.6: c.230_232delACT) is a three base pair deletions in exon 2 (out of 10 exons total) of the ATP6AP1 gene, which causes an in-frame deletion of Tyrosine at position 77 out of 471 amino acids total (NP_001174.2: p.Tyr77del). This variant was absent in Genome Aggregation Database (gnomADV2.1.1). In silico analysis predicts the change to be deleterious to protein structure and/or function (Provean Score= -10.6). Phenotypic spectrum overlaps with typical findings of ATP6AP1-CDG related disorder with hepatopathy however without neurological sequelae. In addition, both probands exhibited unique prenatal and postnatal features: including fetal ventriculomegaly, umbilical hernia, pectus carinatum, micropenis and hypospadias. Classified as Likely Pathogenic following ACMG/AMP criteria with updated recommendations for PS2/PM6 (0.5 points for each sibling); literature evidence of a de novo variant (1 point; PMID: 27231034); PM2_Supporting; PM4_Supporting (following ACGS 2019)

NM_001183.6(ATP6AP1):c.230_232del (p.Tyr77del)

Gene: ATP6AP1 (ATPase H+ transporting accessory protein 1; plus strand). Cytogenetic location: Xq28.
Variant type: Deletion.
Coding change: c.230_232del on transcript NM_001183.6 (MANE Select); coding-DNA positions 230 to 232, 3 bases deleted (ACT; older notation c.230_232delACT).
Protein change: p.Tyr77del; deletes tyrosine 77.
Molecular consequence: inframe deletion.
Genome position (GRCh38, 1-based): chrX:154,429,116-154,429,118, ACT deleted; deleting any 3 consecutive bases within chrX:154,429,114-154,429,118 gives the same sequence; the c. name uses the placement nearest the transcript's 3' end. VCF-style (leftmost placement, unchanged base first): chrX-154429113-CCTA-C. GRCh37 (hg19) VCF-style: chrX-153657459-CCTA-C.
Other names: c.230_232delACT (NM_001183.6); short protein forms Y77del.
Identifiers: ClinVar variation 1686802 (VCV001686802.3), dbSNP rs2148221946, ClinGen allele CA2573159443.
Genomic context (GRCh38, chrX:154,429,113, plus strand): 5'-TGTGGGCTCCTGCGGCCGACACTCATGAAGGCCACATCACCAGCGACTTGCAGCTCTCTA[CCTA>C]CTTAGATCCCGCCCTGGAGCTGGGTCCCAGGAATGTGCTGCTGTTCCTGCAGGACAAGGT-3'